The following is an entry in ClinVar:

NM_020971.3(SPTBN4):c.737G>C (p.Arg246Pro)

Gene: SPTBN4 (spectrin beta, non-erythrocytic 4; plus strand). Cytogenetic location: 19q13.2.
Variant type: single nucleotide variant.
Coding change: c.737G>C on transcript NM_020971.3 (MANE Select); coding-DNA position 737, G replaced by C.
Protein change: p.Arg246Pro; replaces arginine 246 with proline.
Molecular consequence: missense variant.
Genome position (GRCh38, 1-based): chr19:40,497,557, G>C. VCF-style: chr19-40497557-G-C. GRCh37 (hg19) VCF-style: chr19-41003464-G-C.
Other names: short protein forms R246P.
Identifiers: ClinVar variation 987747 (VCV000987747.2), dbSNP rs370960966, ClinGen allele CA405901594.

ClinVar aggregate classification (germline): Likely pathogenic (1 of 4 stars; one submission).

Conditions:
Neurodevelopmental disorder with hypotonia, neuropathy, and deafness (NEDHND). Also called: Myopathy, congenital, with neuropathy and deafness; SPTBN4 Disorder. Identifiers: MedGen C4479603, MONDO:0060496, OMIM 617519.

Submission:

Charité Universitätsmedizin Berlin, Charite Universitaetsmedizin Berlin
Classification: Likely pathogenic for Neurodevelopmental disorder with hypotonia, neuropathy, and deafness. Last evaluated: 2020-07-01. Review status: criteria provided, single submitter. Criteria: ACMG Guidelines, 2015. Collection method: clinical testing. Allele origin: inherited. Inheritance: Autosomal recessive inheritance. Affected: yes.
Comment: The pathogenic homozygous missense variant identified led the exchange of an evolutionary conserved proline for an arginine. This variant was absent in the gnomAD database and in ClinVar. According to the Standards and Guidelines for the Interpretation of Sequence Variants developed by the American College of Medical Genetics and Genomics the evidence of pathogenicity of the c.737G>C, p.(Arg246Pro) variant is moderate .